The following is an entry in ClinVar:

ClinVar aggregate classification (germline): Uncertain significance (1 of 4 stars; one submission).

Submission:

Labcorp Genetics (formerly Invitae), Labcorp
Classification: Uncertain significance. Last evaluated: 2025-02-02. Review status: criteria provided, single submitter. Criteria: Invitae Variant Classification Sherloc (09022015). Collection method: clinical testing. Allele origin: germline.
Comment: This sequence change replaces glutamic acid, which is acidic and polar, with aspartic acid, which is acidic and polar, at codon 1415 of the PHIP protein (p.Glu1415Asp). This variant is not present in population databases (gnomAD no frequency). This variant has not been reported in the literature in individuals affected with PHIP-related conditions. Invitae Evidence Modeling of protein sequence and biophysical properties (such as structural, functional, and spatial information, amino acid conservation, physicochemical variation, residue mobility, and thermodynamic stability) has been performed for this missense variant. However, the output from this modeling did not meet the statistical confidence thresholds required to predict the impact of this variant on PHIP protein function. In summary, the available evidence is currently insufficient to determine the role of this variant in disease. Therefore, it has been classified as a Variant of Uncertain Significance.

NM_017934.7(PHIP):c.4245A>C (p.Glu1415Asp)

Genes: IRAK1BP1 (interleukin 1 receptor associated kinase 1 binding protein 1; plus strand), PHIP (PHIP subunit of CUL4-Ring ligase complex; minus strand). Cytogenetic location: 6q14.1.
Variant type: single nucleotide variant.
Coding change: c.4245A>C on transcript NM_017934.7 (MANE Select); coding-DNA position 4245, A replaced by C.
Protein change: p.Glu1415Asp; replaces glutamic acid 1415 with aspartic acid.
Molecular consequence: missense variant.
Genome position (GRCh38, 1-based): chr6:78,946,836, T>G on the plus strand (A>C on the coding strand, the complement: PHIP is on the minus strand). VCF-style: chr6-78946836-T-G. GRCh37 (hg19) VCF-style: chr6-79656553-T-G.
Other names: short protein forms E1415D.
Identifiers: ClinVar variation 3720136 (VCV003720136.2).
Genomic context (GRCh38, chr6:78,946,836, plus strand): 5'-ATTTCTTTTATGAAAACGAAGAGCAGATTTATAATCTGATAAAACTGAACTAATGTGTTC[T>G]TCAAAGAAAGCAGACAGGCGCAAACTCATGCTGTAAATCTGTGAGGGAAAAAAAAAAGTG-3'
Protein context (NP_060404.4, residues 1405-1425): SMSLRLSAFF[Glu1415Asp]EHISSVLSDY